The following is an entry in ClinVar:

NM_001165963.4(SCN1A):c.5765T>C (p.Ile1922Thr)

Genes: SCN1A (sodium voltage-gated channel alpha subunit 1; minus strand), LOC102724058 (uncharacterized LOC102724058; plus strand). Cytogenetic location: 2q24.3.
Variant type: single nucleotide variant.
Coding change: c.5765T>C on transcript NM_001165963.4 (MANE Select); coding-DNA position 5765, T replaced by C.
Protein change: p.Ile1922Thr; replaces isoleucine 1922 with threonine.
Molecular consequence: missense variant. On other transcripts: non-coding transcript variant (1).
Genome position (GRCh38, 1-based): chr2:165,991,510, A>G on the plus strand (T>C on the coding strand, the complement: SCN1A is on the minus strand). VCF-style: chr2-165991510-A-G. GRCh37 (hg19) VCF-style: chr2-166848020-A-G.
Other names: p.I1922T:ATT>ACT; c.5681T>C, p.Ile1894Thr (NM_001165964.3, NM_001353957.2, NM_001353958.2); c.5765T>C, p.Ile1922Thr (NM_001202435.3, NM_001353948.2); c.5732T>C, p.Ile1911Thr (NM_001353949.2, NM_001353950.2, NM_001353951.2 and 2 more transcripts); c.5729T>C, p.Ile1910Thr (NM_001353954.2, NM_001353955.2); c.5678T>C, p.Ile1893Thr (NM_001353960.2); c.3323T>C, p.Ile1108Thr (NM_001353961.2); short protein forms I1911T, I1922T, I1910T, I1108T, I1894T, I1893T.
Identifiers: ClinVar variation 68573 (VCV000068573.4), dbSNP rs121917981, ClinGen allele CA285030.

ClinVar aggregate classification (germline): Pathogenic/Likely pathogenic. Review status: criteria provided, multiple submitters, no conflicts (2 of 4 stars). 3 submissions from 3 submitters: Pathogenic (1); Likely pathogenic (1). 1 of the submissions does not count toward it. Last evaluated 2021-07-29.

Conditions:
Generalized epilepsy with febrile seizures plus, type 2 (GEFSP2). Also called: GEFS+, TYPE 2. Identifiers: Orphanet 36387, MedGen C1858673, MONDO:0011461, OMIM 604403.
Severe myoclonic epilepsy in infancy (DRVT). Also called: SEVERE MYOCLONIC EPILEPSY OF INFANCY; DEVELOPMENTAL AND EPILEPTIC ENCEPHALOPATHY 6A; Severe Myoclonic Epilepsy in Infancy (SMEI); Dravet syndrome; Epileptic encephalopathy, early infantile, 6 (Dravet syndrome). Identifiers: Orphanet 33069, MedGen C0751122, MONDO:0100135, OMIM 607208.

Submissions (3):

GeneDx
Classification: Likely pathogenic. Last evaluated: 2021-07-29. Review status: criteria provided, single submitter. Criteria: GeneDx Variant Classification Process June 2021. Collection method: clinical testing. Allele origin: germline. Affected: yes.
Comment: Not observed at significant frequency in large population cohorts (Lek et al., 2016); Missense variants in this gene are often considered pathogenic (Stenson et al., 2014); In silico analysis supports that this missense variant has a deleterious effect on protein structure/function; This substitution is predicted to be within the C-terminal cytoplasmic domain; This variant is associated with the following publications: (PMID: 22705208, 18804930, 17347258, 23895530, 31864146, 33770503)

Victorian Clinical Genetics Services, Murdoch Childrens Research Institute
Classification: Pathogenic for Generalized epilepsy with febrile seizures plus, type 2. Last evaluated: 2021-05-06. Review status: criteria provided, single submitter. Criteria: ACMG Guidelines, 2015. Collection method: clinical testing. Allele origin: germline. Inheritance: Autosomal dominant inheritance.
Comment: Based on the classification scheme VCGS_Germline_v1.3.3, this variant is classified as Pathogenic. Following criteria are met: 0103 - Loss of function and gain of function are known mechanisms of disease in this gene and are associated with SCN1A-related epilepsy (PMID: 28488083). (I) 0107 - This gene is associated with autosomal dominant disease. (I) 0200 - Variant is predicted to result in a missense amino acid change from isoleucine to threonine. (I) 0251 - This variant is heterozygous. (I) 0301 - Variant is absent from gnomAD (both v2 and v3). (SP) 0501 - Missense variant consistently predicted to be damaging by multiple in silico tools or highly conserved with a major amino acid change. (SP) 0601 - Variant is located in the IQ domain. Site-directed mutagenesis has shown that this residue is one of the core amino acids for the binding of calmodulin, which modulates SCN1A (PMID: 30142967). (SP) 0704 - Other missense variant comparable to the one identified in this case have limited previous evidence for pathogenicity. The alternative change p.(Ile1922Ser) has been reported de novo in individuals with seizures (ClinVar, DECIPHER). (SP) 0803 - This variant has limited previous evidence of pathogenicity in unrelated individuals. It has been reported in two patients with severe myoclonic epilepsy of infancy or Dravet syndrome (ClinVar, PMID: 17347258). (SP) 0905 - No published segregation evidence has been identified for this variant. (I) 1007 - No published functional evidence has been identified for this variant. (SP) Legend: (SP) - Supporting pathogenic, (I) - Information, (SB) - Supporting benign

UniProtKB/Swiss-Prot
No classification provided. Condition: Severe myoclonic epilepsy in infancy. Review status: no classification provided. Collection method: not provided. Allele origin: unknown. Not counted in ClinVar's aggregate classification.

Literature cited by the submitters: PubMed 17347258 (cited by Victorian Clinical Genetics Services, Murdoch Childrens Research Institute); PubMed 28488083 (cited by Victorian Clinical Genetics Services, Murdoch Childrens Research Institute); PubMed 30142967 (cited by Victorian Clinical Genetics Services, Murdoch Childrens Research Institute).